The following is an entry in ClinVar:

ClinVar aggregate classification (germline): Uncertain significance. Review status: criteria provided, multiple submitters, no conflicts (2 of 4 stars). 2 submissions from 2 submitters: Uncertain significance (2). Last evaluated 2026-08-24.

Conditions:
Progressive familial heart block type IB (PFHB1B). Identifiers: Orphanet 871, MedGen C1970298, MONDO:0011474, OMIM 604559.
Cardiovascular phenotype. Identifiers: MedGen CN230736.

Submissions (2):

Ambry Genetics
Classification: Uncertain significance for Cardiovascular phenotype. Last evaluated: 2026-08-24. Review status: criteria provided, single submitter. Criteria: Ambry Variant Classification Scheme 2023. Collection method: clinical testing. Allele origin: germline.
Comment: The c.1705delC variant, located in coding exon 12 of the TRPM4 gene, results from a deletion of one nucleotide at nucleotide position 1705, causing a translational frameshift with a predicted alternate stop codon (p.L569*). This variant is expected to result in protein truncation or nonsense-mediated mRNA decay. However, loss of function has not been established as a mechanism of disease. Based on the available evidence, the clinical significance of this variant remains unclear.

Labcorp Genetics (formerly Invitae), Labcorp
Classification: Uncertain significance for Progressive familial heart block type IB. Last evaluated: 2025-02-18. Review status: criteria provided, single submitter. Criteria: Invitae Variant Classification Sherloc (09022015). Collection method: clinical testing. Allele origin: germline.
Comment: This sequence change creates a premature translational stop signal (p.Leu569*) in the TRPM4 gene. It is expected to result in an absent or disrupted protein product. However, the current clinical and genetic evidence is not sufficient to establish whether loss-of-function variants in TRPM4 cause disease. This variant is not present in population databases (gnomAD no frequency). This variant has not been reported in the literature in individuals affected with TRPM4-related conditions. In summary, the available evidence is currently insufficient to determine the role of this variant in disease. Therefore, it has been classified as a Variant of Uncertain Significance.

NM_017636.4(TRPM4):c.1705del (p.Leu568_Leu569insTer)

Gene: TRPM4 (transient receptor potential cation channel subfamily M member 4; plus strand). Cytogenetic location: 19q13.33.
Variant type: Deletion.
Coding change: c.1705del on transcript NM_017636.4 (MANE Select); coding-DNA position 1705, one base deleted (C; older notation c.1705delC).
Protein change: p.Leu568_Leu569insTer.
Molecular consequence: nonsense.
Genome position (GRCh38, 1-based): chr19:49,183,174, C deleted. VCF-style (leftmost placement, unchanged base first): chr19-49183173-GC-G. GRCh37 (hg19) VCF-style: chr19-49686430-GC-G.
Other names: c.1705del, p.Leu568_Leu569insTer (NM_001195227.2); c.1360del, p.Leu453_Leu454insTer (NM_001321281.2); c.97del, p.Leu32_Leu33insTer (NM_001321282.2); c.1183del, p.Leu394_Leu395insTer (NM_001321283.2); c.643del, p.Leu214_Leu215insTer (NM_001321285.2); c.1705delC (NM_017636.3).
Identifiers: ClinVar variation 4810285 (VCV004810285.2).
Genomic context (GRCh38, chr19:49,183,173, plus strand): 5'-CTCGCTGGATGCTGGCCTCGGGCAGGCCCCCTGGAGCGACCTGCTTCTTTGGGCACTGTT[GC>G]TGAACAGGGCACAGATGGCCATGTACTTCTGGGAGATGGTGAGTGCTGACTTGGCGCTCC-3'